The following is an entry in ClinVar:

NM_178148.4(SLC35B2):c.746G>T (p.Gly249Val)

Gene: SLC35B2 (solute carrier family 35 member B2; minus strand). Cytogenetic location: 6p21.1.
Variant type: single nucleotide variant.
Coding change: c.746G>T on transcript NM_178148.4 (MANE Select); coding-DNA position 746, G replaced by T.
Protein change: p.Gly249Val; replaces glycine 249 with valine.
Molecular consequence: missense variant.
Genome position (GRCh38, 1-based): chr6:44,255,259, C>A on the plus strand (G>T on the coding strand, the complement: SLC35B2 is on the minus strand). VCF-style: chr6-44255259-C-A. GRCh37 (hg19) VCF-style: chr6-44222996-C-A.
Other names: c.731G>T, p.Gly244Val (NM_001286509.2, NM_001286510.2); c.599G>T, p.Gly200Val (NM_001286511.2, NM_001286512.2); c.467G>T, p.Gly156Val (NM_001286513.2); c.431G>T, p.Gly144Val (NM_001286517.2); c.347G>T, p.Gly116Val (NM_001286519.2, NM_001286520.2); short protein forms G116V, G144V, G156V, G200V, G244V, G249V.
Identifiers: ClinVar variation 4855543 (VCV004855543.1).

ClinVar aggregate classification (germline): Uncertain significance (1 of 4 stars; one submission).

Conditions:
Leukodystrophy, hypomyelinating, 26, with chondrodysplasia (HLD26). Also called: CHONDRODYSPLASIA WITH HYPOMYELINATING LEUKODYSTROPHY. Identifiers: MedGen C5830312, MONDO:0859518, OMIM 620269.

Submission:

3billion
Classification: Uncertain significance for Leukodystrophy, hypomyelinating, 26, with chondrodysplasia. Last evaluated: 2025-09-18. Review status: criteria provided, single submitter. Criteria: ACMG Guidelines, 2015. Collection method: clinical testing. Allele origin: germline. Affected: yes.
Comment: The variant is not observed in the gnomAD v4.1.0 dataset. Predicted Consequence/Location: Missense variant In silico tool predictions suggest damaging effect of the variant on gene or gene product [REVEL: 0.94 (>=0.6, sensitivity 0.68 and specificity 0.92)]. Therefore, this variant is classified as VUS according to the recommendation of ACMG/AMP guideline.